The following is an entry in ClinVar:

ClinVar aggregate classification (germline): Benign/Likely benign. Review status: criteria provided, multiple submitters, no conflicts (2 of 4 stars). 7 submissions from 7 submitters: Benign (4); Likely benign (2). 1 of the submissions does not count toward it. Last evaluated 2026-02-04.

Conditions:
Immunodeficiency 104. Also called: Severe combined immunodeficiency, autosomal recessive, T cell-negative, B cell-positive, NK cell-positive; SCID, AUTOSOMAL RECESSIVE, T CELL-NEGATIVE, B CELL-POSITIVE, NK CELL-POSITIVE; IMMUNODEFICIENCY 104, SEVERE COMBINED; Severe Combined Immune Deficiency, Autosomal Recessive, TCell -Negative, B Cell-Positive, NK Cell-Positive, IL7R-Related. Identifiers: MedGen C5676890, MONDO:0012163, OMIM 608971.
Immunodeficiency 105 (IMD105). Also called: Immunodeficiency 105, severe combined. Identifiers: MedGen C5677005, MONDO:0800104, OMIM 619924.
PTPRC POLYMORPHISM.

Allele frequency attached by ClinVar (database versions not stated): 1000 Genomes Project 0.00439; 1000 Genomes Project 30x 0.00468; TOPMed 0.00806; ESP Exome Variant Server 0.01046.

Submissions (7):

Labcorp Genetics (formerly Invitae), Labcorp
Classification: Benign for Immunodeficiency 104. Last evaluated: 2026-02-04. Review status: criteria provided, single submitter. Criteria: Invitae Variant Classification Sherloc (09022015). Collection method: clinical testing. Allele origin: germline.

CeGaT Center for Human Genetics Tuebingen
Classification: Benign. Last evaluated: 2026-02-01. Review status: criteria provided, single submitter. Criteria: CeGaT Center For Human Genetics Tuebingen Variant Classification Criteria Version 2. Collection method: clinical testing. Allele origin: germline. Affected: yes. Observed: 6 variant alleles.
Comment: PTPRC: BP4, BP7, BS1, BS2

Women's Health and Genetics/Laboratory Corporation of America, LabCorp
Classification: Benign. Last evaluated: 2026-01-29. Review status: criteria provided, single submitter. Criteria: LabCorp Variant Classification Summary - May 2015. Collection method: clinical testing. Allele origin: germline.
Comment: Variant summary: PTPRC c.177C>G results in a synonymous change. Consensus agreement among computation tools predict no significant impact on normal splicing. However, these predictions have yet to be confirmed by functional studies. The variant allele was found at a frequency of 0.0088 in 251456 control chromosomes in the gnomAD database, including 22 homozygotes. The observed variant frequency exceeds the estimated maximal expected allele frequency for disease-causing variants in PTPRC. To our knowledge, no occurrence of c.177C>G in individuals affected with PTPRC-related conditions and no experimental evidence demonstrating its impact on protein function have been reported. ClinVar contains an entry for this variant (Variation ID: 378444). Based on the evidence outlined above, the variant was classified as benign.

ARUP Laboratories, Molecular Genetics and Genomics, ARUP Laboratories
Classification: Likely benign for Immunodeficiency 105. Last evaluated: 2023-11-29. Review status: criteria provided, single submitter. Criteria: ARUP Molecular Germline Variant Investigation Process 2024. Collection method: clinical testing. Allele origin: germline.

GeneDx
Classification: Benign. Last evaluated: 2015-07-15. Review status: criteria provided, single submitter. Criteria: GeneDx Variant Classification (06012015). Collection method: clinical testing. Allele origin: germline. Affected: yes.
Comment: This variant is considered likely benign or benign based on one or more of the following criteria: it is a conservative change, it occurs at a poorly conserved position in the protein, it is predicted to be benign by multiple in silico algorithms, and/or has population frequency not consistent with disease.

Breakthrough Genomics
Classification: Likely benign. Review status: criteria provided, single submitter. Criteria: ACMG Guidelines, 2015. Collection method: not provided. Allele origin: germline. Inheritance: Autosomal recessive inheritance. Affected: yes.

OMIM
Classification: Benign for PTPRC POLYMORPHISM. Last evaluated: 2011-06-03. Review status: no assertion criteria provided. Collection method: literature only. Allele origin: germline. Not counted in ClinVar's aggregate classification.

Literature cited by the submitters: PubMed 16505159 (cited by OMIM); PubMed 11101853 (cited by OMIM); PubMed 7621884 (cited by OMIM); PubMed 11548742 (cited by OMIM); PubMed 11528386 (cited by OMIM); PubMed 15372250 (cited by OMIM); PubMed 19111528 (cited by OMIM); PubMed 11841494 (cited by OMIM); PubMed 12373647 (cited by OMIM); PubMed 21507955 (cited by OMIM).

NM_002838.5(PTPRC):c.177C>G (p.Pro59=)

Gene: PTPRC (protein tyrosine phosphatase receptor type C; plus strand). Cytogenetic location: 1q31.3.
Variant type: single nucleotide variant.
Coding change: c.177C>G on transcript NM_002838.5 (MANE Select); coding-DNA position 177, C replaced by G.
Protein change: p.Pro59=; no amino-acid change (proline 59 retained).
Molecular consequence: synonymous variant. On other transcripts: intron variant (1).
Genome position (GRCh38, 1-based): chr1:198,696,788, C>G. VCF-style: chr1-198696788-C-G. GRCh37 (hg19) VCF-style: chr1-198665917-C-G.
Other names: C77G; 77C-G; c.100+4415C>G (NM_080921.4).
Identifiers: ClinVar variation 378444 (VCV000378444.49), dbSNP rs17612648, ClinGen allele CA1314423.
Genomic context (GRCh38, chr1:198,696,788, plus strand): 5'-GATGCCCAGTGTTCCACTTTCAAGTGACCCCTTACCTACTCACACCACTGCATTCTCACC[C>G]GCAAGCACCTTTGAAAGAGAAAATGACTTCTCAGAGACCACAACTTCTCTTAGTCCAGAC-3'
Protein context (NP_002829.3, residues 49-69): PLPTHTTAFS[Pro59=]ASTFERENDF